The following is an entry in ClinVar:

ClinVar aggregate classification (germline): Likely benign (1 of 4 stars; one submission).

Submission:

CeGaT Center for Human Genetics Tuebingen
Classification: Likely benign. Last evaluated: 2026-06-01. Review status: criteria provided, single submitter. Criteria: CeGaT Center For Human Genetics Tuebingen Variant Classification Criteria Version 2. Collection method: clinical testing. Allele origin: germline. Affected: yes. Observed: 1 variant allele.
Comment: SALL4: BP4, BS2

NM_020436.5(SALL4):c.2051A>G (p.His684Arg)

Gene: SALL4 (spalt like transcription factor 4; minus strand). Cytogenetic location: 20q13.2.
Variant type: single nucleotide variant.
Coding change: c.2051A>G on transcript NM_020436.5 (MANE Select); coding-DNA position 2051, A replaced by G.
Protein change: p.His684Arg; replaces histidine 684 with arginine.
Molecular consequence: missense variant. On other transcripts: intron variant (1).
Genome position (GRCh38, 1-based): chr20:51,790,432, T>C on the plus strand (A>G on the coding strand, the complement: SALL4 is on the minus strand). VCF-style: chr20-51790432-T-C. GRCh37 (hg19) VCF-style: chr20-50406971-T-C.
Other names: c.1150+901A>G (NM_001318031.2); short protein forms H684R.
Identifiers: ClinVar variation 4873082 (VCV004873082.2).